The following is an entry in ClinVar:

NM_001283009.2(RTEL1):c.1458del (p.Ser487fs)

Genes: RTEL1 (regulator of telomere elongation helicase 1; plus strand), RTEL1-TNFRSF6B (RTEL1-TNFRSF6B readthrough (NMD candidate); plus strand). Cytogenetic location: 20q13.33.
Variant type: Deletion.
Coding change: c.1458del on transcript NM_001283009.2 (MANE Select); coding-DNA position 1458, one base deleted (C; older notation c.1458delC).
Protein change: p.Ser487fs; shifts the reading frame from serine 487.
Molecular consequence: frameshift variant. On other transcripts: non-coding transcript variant (1).
Genome position (GRCh38, 1-based): chr20:63,687,747, C deleted; the last of 2 consecutive C bases (chr20:63,687,746-63,687,747); deleting either gives the same sequence. VCF-style (leftmost placement, unchanged base first): chr20-63687745-TC-T. GRCh37 (hg19) VCF-style: chr20-62319098-TC-T.
Other names: c.1530delC (NM_032957.4); c.789del, p.Ser264fs (NM_001283010.1); c.1458del, p.Ser487fs (NM_016434.4); c.1530del, p.Ser511fs (NM_032957.5); short protein forms S264fs, S487fs, S511fs.
Identifiers: ClinVar variation 1071073 (VCV001071073.9), dbSNP rs2090629495, ClinGen allele CA1019312168.

ClinVar aggregate classification (germline): Pathogenic/Likely pathogenic. Review status: criteria provided, multiple submitters, no conflicts (2 of 4 stars). 3 submissions from 3 submitters: Pathogenic (1); Likely pathogenic (2). Last evaluated 2025-06-20.

Conditions:
Dyskeratosis congenita, autosomal recessive 5 (DKCB5). Identifiers: MedGen C3554656, MONDO:0014076, OMIM 615190.
Pulmonary fibrosis and/or bone marrow failure, Telomere-related, 3. Also called: PULMONARY FIBROSIS AND/OR BONE MARROW FAILURE SYNDROME, TELOMERE-RELATED, 3. Identifiers: Orphanet 2032, MedGen C4225346, MONDO:0014613, OMIM 616373.
RTEL1-related disorder. Also called: RTEL1-related disorders; RTEL1-related condition.

Submissions (3):

PreventionGenetics, part of Exact Sciences
Classification: Likely pathogenic for RTEL1-related condition. Last evaluated: 2025-06-20. Review status: criteria provided, single submitter. Criteria: ACMG Guidelines, 2015. Collection method: clinical testing. Allele origin: germline.
Comment: The RTEL1 c.1530delC variant is predicted to result in a frameshift and premature protein termination (p.Ser511Profs*39). To our knowledge, this variant has not been reported in the literature or in a large population database (gnomAD), indicating this variant is rare. Frameshift variants in RTEL1 are expected to be pathogenic. This variant is interpreted as likely pathogenic.

Labcorp Genetics (formerly Invitae), Labcorp
Classification: Pathogenic for Dyskeratosis congenita, autosomal recessive 5; Pulmonary fibrosis and/or bone marrow failure, Telomere-related, 3. Last evaluated: 2022-12-16. Review status: criteria provided, single submitter. Criteria: Invitae Variant Classification Sherloc (09022015). Collection method: clinical testing. Allele origin: germline.
Comment: For these reasons, this variant has been classified as Pathogenic. ClinVar contains an entry for this variant (Variation ID: 1071073). This variant has not been reported in the literature in individuals affected with RTEL1-related conditions. This variant is not present in population databases (gnomAD no frequency). This sequence change creates a premature translational stop signal (p.Ser487Profs*39) in the RTEL1 gene. It is expected to result in an absent or disrupted protein product. Loss-of-function variants in RTEL1 are known to be pathogenic (PMID: 23453664, 23959892, 25607374).

Baylor Genetics
Classification: Likely pathogenic for Dyskeratosis congenita, autosomal recessive 5. Last evaluated: 2022-10-04. Review status: criteria provided, single submitter. Criteria: ACMG Guidelines, 2015. Collection method: clinical testing. Allele origin: unknown.

Literature cited by the submitters: PubMed 23453664 (cited by Labcorp Genetics (formerly Invitae), Labcorp); PubMed 23959892 (cited by Labcorp Genetics (formerly Invitae), Labcorp); PubMed 25607374 (cited by Labcorp Genetics (formerly Invitae), Labcorp).